The following is an entry in ClinVar:

ClinVar aggregate classification (germline): Pathogenic (1 of 4 stars; one submission).

Conditions:
LMX1B-related disorder. Also called: LMX1B-related condition.

Submission:

PreventionGenetics, part of Exact Sciences
Classification: Pathogenic for LMX1B-related condition. Last evaluated: 2026-06-26. Review status: criteria provided, single submitter. Criteria: ACMG Guidelines, 2015. Collection method: clinical testing. Allele origin: germline.
Comment: The LMX1B c.232G>T variant is predicted to result in premature protein termination (p.Glu78*). This variant has been reported in individuals with nail patella syndrome (Dunston et al. 2004. PubMed ID: 15498463; Ghoumid et al. 2015. PubMed ID: 25898926). The variant is located in the first zinc-finger module of the LIM1 domain (residues 56-111) critical for the formation of the His77-Glu78-Glu79-Cys80 loop and variants that disrupt this loop are predicted to decrease fold stability and may alter local electrostatic interactions (Baris et al. 2026. PubMed ID: 41901018). This variant has not been reported in a large population database, indicating this variant is rare. Nonsense variants in LMX1B are expected to be pathogenic. Given the evidence, we interpret this variant as pathogenic.

NM_001174147.2(LMX1B):c.232G>T (p.Glu78Ter)

Gene: LMX1B (LIM homeobox transcription factor 1 beta; plus strand). Cytogenetic location: 9q33.3.
Variant type: single nucleotide variant.
Coding change: c.232G>T on transcript NM_001174147.2 (MANE Select); coding-DNA position 232, G replaced by T.
Protein change: p.Glu78Ter; replaces glutamic acid 78 with a stop codon.
Molecular consequence: nonsense.
Genome position (GRCh38, 1-based): chr9:126,615,475, G>T. VCF-style: chr9-126615475-G-T. GRCh37 (hg19) VCF-style: chr9-129377754-G-T.
Other names: c.232G>T, p.Glu78Ter (NM_001174146.2, NM_002316.4); short protein forms E78*.
Identifiers: ClinVar variation 3038129 (VCV003038129.3), dbSNP rs1835285480, ClinGen allele CA374910042.